The following is an entry in ClinVar:

ClinVar aggregate classification (germline): Uncertain significance (1 of 4 stars; one submission).

Allele frequency attached by ClinVar (database versions not stated): gnomAD exomes below 0.00001.
gnomAD v4.1: 1 of 1,586,240 alleles (0.000063%); highest among the groups gnomAD compares: Non-Finnish European, 0.000086%; no homozygotes.

Submission:

Labcorp Genetics (formerly Invitae), Labcorp
Classification: Uncertain significance. Last evaluated: 2022-09-06. Review status: criteria provided, single submitter. Criteria: Invitae Variant Classification Sherloc (09022015). Collection method: clinical testing. Allele origin: germline.
Comment: ClinVar contains an entry for this variant (Variation ID: 1461918). In summary, the available evidence is currently insufficient to determine the role of this variant in disease. Therefore, it has been classified as a Variant of Uncertain Significance. Algorithms developed to predict the effect of sequence changes on RNA splicing suggest that this variant may disrupt the consensus splice site. Algorithms developed to predict the effect of missense changes on protein structure and function output the following: SIFT: "Tolerated"; PolyPhen-2: "Benign"; Align-GVGD: "Class C0". The serine amino acid residue is found in multiple mammalian species, which suggests that this missense change does not adversely affect protein function. This variant has not been reported in the literature in individuals affected with SCLT1-related conditions. This variant is not present in population databases (gnomAD no frequency). This sequence change replaces threonine, which is neutral and polar, with serine, which is neutral and polar, at codon 206 of the SCLT1 protein (p.Thr206Ser).

NM_144643.4(SCLT1):c.616A>T (p.Thr206Ser)

Gene: SCLT1 (sodium channel and clathrin linker 1; minus strand). Cytogenetic location: 4q28.2.
Variant type: single nucleotide variant.
Coding change: c.616A>T on transcript NM_144643.4 (MANE Select); coding-DNA position 616, A replaced by T.
Protein change: p.Thr206Ser; replaces threonine 206 with serine.
Molecular consequence: missense variant.
Genome position (GRCh38, 1-based): chr4:128,992,237, T>A on the plus strand (A>T on the coding strand, the complement: SCLT1 is on the minus strand). VCF-style: chr4-128992237-T-A. GRCh37 (hg19) VCF-style: chr4-129913392-T-A.
Other names: short protein forms T206S.
Identifiers: ClinVar variation 1461918 (VCV001461918.8), dbSNP rs2126069381, ClinGen allele CA358189567.
Genomic context (GRCh38, chr4:128,992,237, plus strand): 5'-TTCGGAGTTGTTCGATTATCACACTTTGTTCAGTTACTGTTTTCAGAAACTGTTGGTTAG[T>A]CTGCCACAAGAAAAAAAAAGAATCAGTATTAGAATATTTAATAACTGTATCTTTAAAGAT-3'
Protein context (NP_653244.2, residues 196-216): LHVTNENMEV[Thr206Ser]NQQFLKTVTE